The following is an entry in ClinVar:

NM_001270974.2(HYDIN):c.8862G>A (p.Arg2954=)

Gene: HYDIN (HYDIN axonemal central pair apparatus protein; minus strand). Cytogenetic location: 16q22.2.
Variant type: single nucleotide variant.
Coding change: c.8862G>A on transcript NM_001270974.2 (MANE Select); coding-DNA position 8862, G replaced by A.
Protein change: p.Arg2954=; no amino-acid change (arginine 2954 retained).
Molecular consequence: synonymous variant.
Genome position (GRCh38, 1-based): chr16:70,901,190, C>T on the plus strand (G>A on the coding strand, the complement: HYDIN is on the minus strand). VCF-style: chr16-70901190-C-T. GRCh37 (hg19) VCF-style: chr16-70935093-C-T.
Identifiers: ClinVar variation 2646729 (VCV002646729.25), dbSNP rs201904449, ClinGen allele CA8149700.

ClinVar aggregate classification (germline): Likely benign. Review status: criteria provided, multiple submitters, no conflicts (2 of 4 stars). 2 submissions from 2 submitters: Likely benign (2). Last evaluated 2026-08-01.

Allele frequency attached by ClinVar (database versions not stated): ExAC 0.00449.

Submissions (2):

CeGaT Center for Human Genetics Tuebingen
Classification: Likely benign. Last evaluated: 2026-08-01. Review status: criteria provided, single submitter. Criteria: CeGaT Center For Human Genetics Tuebingen Variant Classification Criteria Version 2. Collection method: clinical testing. Allele origin: germline. Affected: yes. Observed: 18 variant alleles.
Comment: HYDIN: BP4, BP7

Blueprint Genetics
Classification: Likely benign. Last evaluated: 2024-11-27. Review status: criteria provided, single submitter. Criteria: ACMG Guidelines, 2015. Collection method: clinical testing. Allele origin: germline.